The following is an entry in ClinVar:

ClinVar aggregate classification (germline): Likely benign. Review status: criteria provided, multiple submitters, no conflicts (2 of 4 stars). 3 submissions from 3 submitters: Likely benign (3). Last evaluated 2026-01-13.

Conditions:
Hereditary nonpolyposis colorectal neoplasms. Identifiers: MedGen C0009405, MeSH D003123.
Hereditary cancer-predisposing syndrome. Also called: Hereditary neoplastic syndrome; Hereditary Cancer Syndrome; Neoplastic Syndromes, Hereditary; Tumor predisposition. Identifiers: Orphanet 140162, MedGen C0027672, MeSH D009386, MONDO:0015356.

Allele frequency attached by ClinVar (database versions not stated): gnomAD 0.00001; gnomAD exomes 0.00001 and 0.00003; TOPMed 0.00002; ExAC 0.00005; 1000 Genomes Project 30x 0.00016; 1000 Genomes Project 0.00020.

Submissions (3):

Labcorp Genetics (formerly Invitae), Labcorp
Classification: Likely benign for Hereditary nonpolyposis colorectal neoplasms. Last evaluated: 2026-01-13. Review status: criteria provided, single submitter. Criteria: Invitae Variant Classification Sherloc (09022015). Collection method: clinical testing. Allele origin: germline.

Color Diagnostics, LLC DBA Color Health
Classification: Likely benign for Hereditary cancer-predisposing syndrome. Last evaluated: 2017-10-09. Review status: criteria provided, single submitter. Criteria: ACMG Guidelines, 2015. Collection method: clinical testing. Allele origin: germline.

GeneDx
Classification: Likely benign. Last evaluated: 2016-01-06. Review status: criteria provided, single submitter. Criteria: GeneDx Variant Classification (06012015). Collection method: clinical testing. Allele origin: germline. Affected: yes.
Comment: This variant is considered likely benign or benign based on one or more of the following criteria: it is a conservative change, it occurs at a poorly conserved position in the protein, it is predicted to be benign by multiple in silico algorithms, and/or has population frequency not consistent with disease.

NM_000535.7(PMS2):c.2006+12A>C

Gene: PMS2 (PMS1 homolog 2, mismatch repair system component; minus strand). Cytogenetic location: 7p22.1.
Variant type: single nucleotide variant.
Coding change: c.2006+12A>C on transcript NM_000535.7 (MANE Select); 12 bases into the intron after coding-DNA position 2006, A replaced by C.
Molecular consequence: intron variant.
Genome position (GRCh38, 1-based): chr7:5,986,747, T>G on the plus strand (A>C on the coding strand, the complement: PMS2 is on the minus strand). VCF-style: chr7-5986747-T-G. GRCh37 (hg19) VCF-style: chr7-6026378-T-G.
Other names: c.1688+12A>C (NM_001322008.2, NM_001322007.2); c.1445+12A>C (NM_001322010.2); c.1601+12A>C (NM_001322004.2, NM_001322003.2, NM_001322009.2 and 1 more transcripts); c.1433+12A>C (NM_001322013.2); c.1073+12A>C (NM_001322012.2, NM_001322011.2); c.1697+12A>C (NM_001322015.2); c.1850+12A>C (NM_001322006.2); c.2006+12A>C (NM_001322014.2).
Identifiers: ClinVar variation 378389 (VCV000378389.11), dbSNP rs534044419, ClinGen allele CA046205.